The following is an entry in ClinVar:

ClinVar aggregate classification (germline): Benign/Likely benign. Review status: criteria provided, multiple submitters, no conflicts (2 of 4 stars). 4 submissions from 4 submitters: Benign (1); Likely benign (3). Last evaluated 2024-09-10.

Conditions:
Charcot-Marie-Tooth disease recessive intermediate B. Also called: CHARCOT-MARIE-TOOTH NEUROPATHY, RECESSIVE INTERMEDIATE B. Identifiers: Orphanet 254334, MedGen C3150897, MONDO:0013338, OMIM 613641.
Autosomal recessive nonsyndromic hearing loss 89. Also called: Deafness, autosomal recessive 89. Identifiers: Orphanet 90636, MedGen C3151351, MONDO:0013489, OMIM 613916.
Leukoencephalopathy, progressive, infantile-onset, with or without deafness. Identifiers: MedGen C5542996, MONDO:0030893, OMIM 619147.
Deafness, congenital, and adult-onset progressive leukoencephalopathy. Identifiers: MedGen C5543087, MONDO:0030967, OMIM 619196.

Submissions (5):

Blueprint Genetics
Classification: Likely benign. Last evaluated: 2024-09-10. Review status: criteria provided, single submitter. Criteria: ACMG Guidelines, 2015. Collection method: clinical testing. Allele origin: germline.

Fulgent Genetics
Classification: Likely benign for Charcot-Marie-Tooth disease recessive intermediate B; Autosomal recessive nonsyndromic hearing loss 89; Leukoencephalopathy, progressive, infantile-onset, with or without deafness; Deafness, congenital, and adult-onset progressive leukoencephalopathy. Last evaluated: 2022-05-06. Review status: criteria provided, single submitter. Criteria: ACMG Guidelines, 2015. Collection method: clinical testing. Allele origin: unknown.

CeGaT Center for Human Genetics Tuebingen
Classification: Likely benign. Last evaluated: 2022-03-01. Review status: criteria provided, single submitter. Criteria: CeGaT Center For Human Genetics Tuebingen Variant Classification Criteria Version 2. Collection method: clinical testing. Allele origin: germline. Affected: yes. Observed: 1 variant allele.
Comment: KARS1: BP4

Labcorp Genetics (formerly Invitae), Labcorp
Classification: Benign. Last evaluated: 2017-05-30. Review status: criteria provided, single submitter. Criteria: Invitae Variant Classification Sherloc (09022015). Collection method: clinical testing. Allele origin: germline.

Dr. Peter K. Rogan Lab, Western University
No classification provided (evidence only). Condition: Uterine corpus endometrial carcinoma. Review status: no classification provided. Collection method: in vitro. Allele origin: not applicable. Functional consequence: retained intron. Not counted in ClinVar's aggregate classification.

NM_005548.3(KARS1):c.223-8_223-6del

Gene: KARS1 (lysyl-tRNA synthetase 1; minus strand). Cytogenetic location: 16q23.1.
Variant type: Deletion.
Coding change: c.223-8_223-6del on transcript NM_005548.3 (MANE Select); 8 bases into the intron before coding-DNA position 223 through 6 bases into the intron before coding-DNA position 223, 3 bases deleted (TTT; older notation c.223-8_223-6delTTT).
Molecular consequence: intron variant.
Genome position (GRCh38, 1-based): chr16:75,640,355-75,640,357, AAA deleted on the plus strand (TTT on the coding strand, the reverse complement: KARS1 is on the minus strand); deleting any 3 consecutive bases within chr16:75,640,355-75,640,372 gives the same sequence; the c. name uses the placement nearest the transcript's 3' end. VCF-style (leftmost placement, unchanged base first): chr16-75640354-TAAA-T. GRCh37 (hg19) VCF-style: chr16-75674252-TAAA-T.
Other names: NC_000016.9:g.75674268_75674270del; c.223-23_223-21del (NM_005548.3); c.307-8_307-6delTTT (NM_001130089.1); c.307-8_307-6del (NM_001130089.2); c.-246-8_-246-6del (NM_001378148.1).
Identifiers: ClinVar variation 778613 (VCV000778613.29), dbSNP rs370077957, ClinGen allele CA8177695.